The following is an entry in ClinVar:

ClinVar aggregate classification (germline): Uncertain significance. Review status: criteria provided, multiple submitters, no conflicts (2 of 4 stars). 3 submissions from 3 submitters: Uncertain significance (3). Last evaluated 2023-03-02.

Conditions:
Hereditary cancer-predisposing syndrome. Also called: Hereditary neoplastic syndrome; Hereditary Cancer Syndrome; Tumor predisposition; Neoplastic Syndromes, Hereditary. Identifiers: Orphanet 140162, MedGen C0027672, MeSH D009386, MONDO:0015356.

Allele frequency attached by ClinVar (database versions not stated): gnomAD 0.00001.
gnomAD v4.1: 7 of 1,612,348 alleles (0.00043%); highest among the groups gnomAD compares: Non-Finnish European, 0.00051%; no homozygotes.

Submissions (3):

Labcorp Genetics (formerly Invitae), Labcorp
Classification: Uncertain significance for Hereditary cancer-predisposing syndrome. Last evaluated: 2023-03-02. Review status: criteria provided, single submitter. Criteria: Invitae Variant Classification Sherloc (09022015). Collection method: clinical testing. Allele origin: germline.
Comment: ClinVar contains an entry for this variant (Variation ID: 1386736). Advanced modeling of protein sequence and biophysical properties (such as structural, functional, and spatial information, amino acid conservation, physicochemical variation, residue mobility, and thermodynamic stability) performed at Invitae indicates that this missense variant is not expected to disrupt RAD50 protein function. In summary, the available evidence is currently insufficient to determine the role of this variant in disease. Therefore, it has been classified as a Variant of Uncertain Significance. This sequence change replaces arginine, which is basic and polar, with leucine, which is neutral and non-polar, at codon 254 of the RAD50 protein (p.Arg254Leu). This variant is not present in population databases (gnomAD no frequency). This variant has not been reported in the literature in individuals affected with RAD50-related conditions.

Blueprint Genetics
Classification: Uncertain significance. Last evaluated: 2021-10-25. Review status: criteria provided, single submitter. Criteria: ACMG Guidelines, 2015. Collection method: clinical testing. Allele origin: germline.

Ambry Genetics
Classification: Uncertain significance for Hereditary cancer-predisposing syndrome. Last evaluated: 2021-06-23. Review status: criteria provided, single submitter. Criteria: Ambry Variant Classification Scheme 2023. Collection method: clinical testing. Allele origin: germline.
Comment: The p.R254L variant (also known as c.761G>T), located in coding exon 6 of the RAD50 gene, results from a G to T substitution at nucleotide position 761. The arginine at codon 254 is replaced by leucine, an amino acid with dissimilar properties. This amino acid position is conserved. In addition, this alteration is predicted to be tolerated by in silico analysis. Since supporting evidence is limited at this time, the clinical significance of this alteration remains unclear.

NM_005732.4(RAD50):c.761G>T (p.Arg254Leu)

Gene: RAD50 (RAD50 double strand break repair protein; plus strand). Cytogenetic location: 5q31.1.
Variant type: single nucleotide variant.
Coding change: c.761G>T on transcript NM_005732.4 (MANE Select); coding-DNA position 761, G replaced by T.
Protein change: p.Arg254Leu; replaces arginine 254 with leucine.
Molecular consequence: missense variant.
Genome position (GRCh38, 1-based): chr5:132,587,566, G>T. VCF-style: chr5-132587566-G-T. GRCh37 (hg19) VCF-style: chr5-131923258-G-T.
Other names: short protein forms R254L.
Identifiers: ClinVar variation 1386736 (VCV001386736.11), dbSNP rs769196703, ClinGen allele CA360939996.